The following is an entry in ClinVar:

NM_001042492.3(NF1):c.7354C>T (p.Arg2452Cys)

Gene: NF1 (neurofibromin 1; plus strand). Cytogenetic location: 17q11.2.
Variant type: single nucleotide variant.
Coding change: c.7354C>T on transcript NM_001042492.3 (MANE Select); coding-DNA position 7354, C replaced by T.
Protein change: p.Arg2452Cys; replaces arginine 2452 with cysteine.
Molecular consequence: missense variant.
Genome position (GRCh38, 1-based): chr17:31,350,215, C>T. VCF-style: chr17-31350215-C-T. GRCh37 (hg19) VCF-style: chr17-29677233-C-T.
Other names: c.7291C>T, p.Arg2431Cys (NM_000267.4); short protein forms R2452C, R2431C.
Identifiers: ClinVar variation 220184 (VCV000220184.28), dbSNP rs377662483, ClinGen allele CA348018.
Genomic context (GRCh38, chr17:31,350,215, plus strand): 5'-TTTTAACCTGCCACCGTTTTCCTTTTAGCTTTACTTACAGTGTCTGAAGAAGTTCGAAGT[C>T]GCTGCAGCCTAAAACATAGAAAGTCACTTCTTCTTACTGATATTTCAATGGAAAATGTTC-3'
Protein context (NP_001035957.1, residues 2442-2462): LLTVSEEVRS[Arg2452Cys]CSLKHRKSLL

ClinVar aggregate classification (germline): Conflicting classifications of pathogenicity. Review status: criteria provided, conflicting classifications (1 of 4 stars). 10 submissions from 10 submitters: Uncertain significance (6); Likely benign (4). Last evaluated 2026-05-03.

Conditions:
NF1-related disorder. Also called: NF1-related condition. Identifiers: MedGen CN379171.
Cardiovascular phenotype. Identifiers: MedGen CN230736.
Hereditary cancer-predisposing syndrome. Also called: Neoplastic Syndromes, Hereditary; Tumor predisposition; Hereditary Cancer Syndrome; Hereditary neoplastic syndrome. Identifiers: Orphanet 140162, MedGen C0027672, MeSH D009386, MONDO:0015356.
Neurofibromatosis, type 1 (NF1). Also called: NEUROFIBROMATOSIS, TYPE I, SOMATIC; Peripheral type neurofibromatosis; Neurofibromatosis, type I; VON RECKLINGHAUSEN DISEASE. Identifiers: Orphanet 636, MedGen C0027831, MONDO:0018975, OMIM 162200. Disease mechanism: loss of function.
Neurofibromatosis, familial spinal (FSNF). Identifiers: Orphanet 636, MedGen C1834235, MONDO:0008078, OMIM 162210. Disease mechanism: loss of function.
Juvenile myelomonocytic leukemia (JMML). Also called: LEUKEMIA, JUVENILE MYELOMONOCYTIC, SOMATIC. Identifiers: Orphanet 86834, MedGen C0349639, MONDO:0011908, OMIM 607785, HP:0012209.
Neurofibromatosis-Noonan syndrome (NFNS). Also called: NEUROFIBROMATOSIS WITH NOONAN PHENOTYPE. Identifiers: Orphanet 638, MedGen C2931482, MONDO:0011035, OMIM 601321. Disease mechanism: loss of function.
Café-au-lait macules with pulmonary stenosis (WTSN). Also called: PULMONIC STENOSIS WITH CAFE-AU-LAIT SPOTS. Identifiers: MedGen C0553586, MONDO:0008672, OMIM 193520.

Allele frequency attached by ClinVar (database versions not stated): ExAC 0.00001; gnomAD exomes 0.00001 and 0.00002; gnomAD 0.00009 and 0.00011; 1000 Genomes Project 30x 0.00016; 1000 Genomes Project 0.00020; ESP Exome Variant Server 0.00023; TOPMed 0.00025.
gnomAD v4.1: 30 of 1,613,944 alleles (0.0019%); highest among the groups gnomAD compares: Admixed American, 0.023%; no homozygotes.

Submissions (10):

PreventionGenetics, part of Exact Sciences
Classification: Likely benign for NF1-related condition. Last evaluated: 2026-05-03. Review status: criteria provided, single submitter. Criteria: ACMG Guidelines, 2015. Collection method: clinical testing. Allele origin: germline.
Comment: This variant is classified as likely benign based on ACMG/AMP sequence variant interpretation guidelines (Richards et al. 2015 PMID: 25741868, with internal and published modifications).

Labcorp Genetics (formerly Invitae), Labcorp
Classification: Likely benign for Neurofibromatosis, type 1. Last evaluated: 2026-01-16. Review status: criteria provided, single submitter. Criteria: Invitae Variant Classification Sherloc (09022015). Collection method: clinical testing. Allele origin: germline.

Quest Diagnostics Nichols Institute San Juan Capistrano
Classification: Uncertain significance. Last evaluated: 2025-10-18. Review status: criteria provided, single submitter. Criteria: Quest Diagnostics criteria. Collection method: clinical testing. Allele origin: unknown.

Clinical Genomics Laboratory, Washington University in St. Louis
Classification: Uncertain significance for Neurofibromatosis, type 1. Last evaluated: 2023-10-17. Review status: criteria provided, single submitter. Criteria: ACMG Guidelines, 2015. Collection method: clinical testing. Allele origin: germline.
Comment: The NF1 c.7354C>T (p.Arg2452Cys) variant was identified at near heterozygous allelic fraction. This variant has been reported in one individual with breast cancer (Jarhelle E et al., PMID: 31882575). This variant has been reported in the ClinVar database as a likely benign germline variant by three submitters and a germline variant of uncertain significance by three submitters (ClinVar ID: 220184), and in one cancer case as a somatic variant in the cancer database COSMIC (COSMIC ID: COSV104420357). Computational predictors are uncertain as to the impact of this variant on NF1 function. The NF1 gene has a low rate of benign missense variation, and pathogenic missense variants are one of the mechanisms of disease. Due to limited information, and based on ACMG/AMP guidelines for variant interpretation (Richards S et al., PMID: 25741868), the clinical significance of this variant is uncertain at this time.

Sema4
Classification: Uncertain significance for Hereditary cancer-predisposing syndrome. Last evaluated: 2021-05-06. Review status: criteria provided, single submitter. Criteria: Sema4 Curation Guidelines. Collection method: curation. Allele origin: germline.
Comment: The NF1 c.7291C>T (p.R2431C) variant has been reported in heterozygosity in at least 1 individual with breast cancer (PMID 31882575). This variant was observed in 1/16252 chromosomes of the African/African American subpopulation in the large and broad populations by the Genome Aggregation Database (PMID: 32461654). The variant has been reported in ClinVar (Variation ID 220184). In silico tools suggest the impact of the variant on protein function is inconclusive, though these predictions have not been confirmed by functional studies. Thus, the clinical significance of this variant is currently uncertain.

GeneDx
Classification: Likely benign. Last evaluated: 2020-07-13. Review status: criteria provided, single submitter. Criteria: GeneDx Variant Classification Process June 2021. Collection method: clinical testing. Allele origin: germline. Affected: yes.
Comment: In silico analysis supports that this missense variant has a deleterious effect on protein structure/function; This variant is associated with the following publications: (PMID: 31882575, 32447321)

Blueprint Genetics
Classification: Uncertain significance. Last evaluated: 2020-05-20. Review status: criteria provided, single submitter. Criteria: ACMG Guidelines, 2015. Collection method: clinical testing. Allele origin: germline.

Ambry Genetics
Classification: Likely benign for Cardiovascular phenotype; Hereditary cancer-predisposing syndrome. Last evaluated: 2019-12-20. Review status: criteria provided, single submitter. Criteria: Ambry Variant Classification Scheme 2023. Collection method: clinical testing. Allele origin: germline.

ARUP Laboratories, Molecular Genetics and Genomics, ARUP Laboratories
Classification: Uncertain significance. Last evaluated: 2019-11-20. Review status: criteria provided, single submitter. Criteria: ARUP Molecular Germline Variant Investigation Process. Collection method: clinical testing. Allele origin: germline.
Comment: The NF1 c.7354C>T; p.Arg2452Cys variant (rs377662483), also known as c.7291C>T; p.Arg2431Cys for NM_000267.3, is not reported in the medical literature but is reported in ClinVar (Variation ID: 220184). This variant is found in the general population with an overall allele frequency of 0.002% (4/251362 alleles) in the Genome Aggregation Database. The arginine at codon 2452 is highly conserved, and computational analyses (SIFT, PolyPhen-2) predict that this variant is deleterious. However, given the lack of clinical and functional data, the significance of this variant is uncertain at this time.

Fulgent Genetics
Classification: Uncertain significance for Neurofibromatosis, type 1; Neurofibromatosis, familial spinal; Café-au-lait macules with pulmonary stenosis; Neurofibromatosis-Noonan syndrome; Juvenile myelomonocytic leukemia. Last evaluated: 2018-10-31. Review status: criteria provided, single submitter. Criteria: ACMG Guidelines, 2015. Collection method: clinical testing. Allele origin: unknown.

Literature cited by the submitters: PubMed 31882575 (cited by Sema4).